The following is an entry in ClinVar:

ClinVar aggregate classification (germline): Likely pathogenic. Review status: criteria provided, multiple submitters, no conflicts (2 of 4 stars). 6 submissions from 6 submitters: Likely pathogenic (4). 2 of the submissions do not count toward it. Last evaluated 2024-08-07.

Conditions:
Leukoencephalopathy with calcifications and cysts. Also called: LABRUNE SYNDROME; Leukoencephalopathy, brain calcifications, and cysts. Identifiers: Orphanet 542310, MedGen C3281200, MONDO:0013803, OMIM 614561.
SNORD118-related disorders.
Meckel syndrome 13 (MKS13). Identifiers: MedGen C4539714, MONDO:0033044, OMIM 617562.

Allele frequency attached by ClinVar (database versions not stated): TOPMed 0.00004.
gnomAD v4.1: 34 of 765,196 alleles (0.0044%); highest among the groups gnomAD compares: East Asian, 0.0097%; no homozygotes.

Submissions (6):

Blueprint Genetics
Classification: Likely pathogenic for SNORD118-related disorders. Last evaluated: 2024-08-07. Review status: criteria provided, single submitter. Criteria: ACMG Guidelines, 2015. Collection method: clinical testing. Allele origin: germline. Affected: yes. Observed: 3 variant alleles.

Women's Health and Genetics/Laboratory Corporation of America, LabCorp
Classification: Likely pathogenic for Leukoencephalopathy with calcifications and cysts. Last evaluated: 2023-12-15. Review status: criteria provided, single submitter. Criteria: LabCorp Variant Classification Summary - May 2015. Collection method: clinical testing. Allele origin: germline.
Comment: Variant summary: SNORD118 n.82A>G alters a nucleotide in a non-coding RNA. The variant allele was found at a frequency of 6.5e-05 in 232074 control chromosomes (i.e., 15 alleles, no homozygotes; gnomAD v2.1.1 Exomes dataset). The available data on variant occurrences in the general population are insufficient to allow any conclusion about variant significance. n.82A>G has been reported in the literature in multiple compound heterozygous individuals affected with Leukoencephalopathy With Calcifications And Cysts (e.g., Jenkinson_2016, Hermens_2018, Jin_2018, Schobers_2022). These data indicate that the variant is likely to be associated with disease. To our knowledge, no experimental evidence demonstrating an impact on protein function has been reported. The following publications have been ascertained in the context of this evaluation (PMID: 29970281, 27571260, 29996189, 35710456). One submitter has reported clinical-significance assessments for this variant to ClinVar after 2014 and has classified the variant as pathogenic/likely pathogenic. Based on the evidence outlined above, the variant was classified as likely pathogenic.

3billion
Classification: Likely pathogenic for Leukoencephalopathy with calcifications and cysts. Last evaluated: 2023-08-07. Review status: criteria provided, single submitter. Criteria: ACMG Guidelines, 2015. Collection method: clinical testing. Allele origin: germline. Affected: yes.
Comment: The variant is observed at an extremely low frequency in the gnomAD v2.1.1 dataset (total allele frequency: 0.007%). Predicted Consequence/Location: Non-coding transcript exon variant. The variant has been reported at least twice as pathogenic without evidence for the classification (ClinVar ID: VCV000265788 / PMID: 27571260). The variant has been reported to be associated with SNORD118-related disorder (ClinVar ID: VCV000929273). Therefore, the variant is classified as likely pathogenic according to the recommendation of ACMG/AMP guideline.

Department of Pathology and Laboratory Medicine, Sinai Health System
Classification: Likely pathogenic for Meckel syndrome 13. Last evaluated: 2023-05-29. Review status: criteria provided, single submitter. Criteria: ACMG Guidelines, 2015. Collection method: research. Allele origin: germline.

Laboratory of Neurogenetics and Neuroinflammation, Institut Imagine
Classification: Pathogenic for Leukoencephalopathy, brain calcifications, and cysts. Last evaluated: 2020-04-06. Review status: no assertion criteria provided. Collection method: clinical testing. Allele origin: germline. Affected: yes. Observed: 3 variant alleles. Not counted in ClinVar's aggregate classification.

Joint Genome Diagnostic Labs from Nijmegen and Maastricht, Radboudumc and MUMC+
Classification: Pathogenic. Review status: no assertion criteria provided. Collection method: clinical testing. Allele origin: germline. Affected: yes. Not counted in ClinVar's aggregate classification.

Literature cited by the submitters: PubMed 27571260 (cited by Women's Health and Genetics/Laboratory Corporation of America, LabCorp and 3billion); PubMed 29970281 (cited by Women's Health and Genetics/Laboratory Corporation of America, LabCorp and Laboratory of Neurogenetics and Neuroinflammation, Institut Imagine); PubMed 29996189 (cited by Women's Health and Genetics/Laboratory Corporation of America, LabCorp and Laboratory of Neurogenetics and Neuroinflammation, Institut Imagine); PubMed 35710456 (cited by Women's Health and Genetics/Laboratory Corporation of America, LabCorp).

NR_033294.2(SNORD118):n.82A>G

Genes: SNORD118 (small nucleolar RNA, C/D box 118; minus strand), TMEM107 (transmembrane protein 107; minus strand). Cytogenetic location: 17p13.1.
Variant type: single nucleotide variant.
Molecular consequence: non-coding transcript variant (on NR_033294.2). On other transcripts: 3 prime UTR variant (5).
Genome position: GRCh38 VCF-style: chr17-8173507-T-C. GRCh37 (hg19) VCF-style: chr17-8076825-T-C.
Other names: c.*696A>G (NM_001351278.2, NM_001351279.2, NM_001351280.2 and 2 more transcripts).
Identifiers: ClinVar variation 929273 (VCV000929273.6), dbSNP rs779456932, ClinGen allele CA8370663.